The following is an entry in ClinVar:

ClinVar aggregate classification (germline): Uncertain significance (1 of 4 stars; one submission).

Conditions:
Cowden syndrome (CS). Also called: Cowden's disease; Cowden's syndrome; Cowden disease. Identifiers: Orphanet 201, MedGen C0018553, MONDO:0016063. Disease mechanism: gain of function.

Allele frequency attached by ClinVar (database versions not stated): gnomAD exomes below 0.00001; ExAC 0.00001.
gnomAD v4.1: 2 of 1,598,520 alleles (0.00013%); highest among the groups gnomAD compares: South Asian, 0.0023%; no homozygotes.

Submission:

Labcorp Genetics (formerly Invitae), Labcorp
Classification: Uncertain significance for Cowden syndrome. Last evaluated: 2023-11-14. Review status: criteria provided, single submitter. Criteria: Invitae Variant Classification Sherloc (09022015). Collection method: clinical testing. Allele origin: germline.
Comment: This sequence change falls in intron 3 of the PIK3CA gene. It does not directly change the encoded amino acid sequence of the PIK3CA protein. This variant is present in population databases (rs776828704, gnomAD 0.004%). This variant has not been reported in the literature in individuals affected with PIK3CA-related conditions. Algorithms developed to predict the effect of sequence changes on RNA splicing suggest that this variant may disrupt the consensus splice site. In summary, the available evidence is currently insufficient to determine the role of this variant in disease. Therefore, it has been classified as a Variant of Uncertain Significance.

NM_006218.4(PIK3CA):c.563-14T>A

Gene: PIK3CA (phosphatidylinositol-4,5-bisphosphate 3-kinase catalytic subunit alpha; plus strand). Cytogenetic location: 3q26.32.
Variant type: single nucleotide variant.
Coding change: c.563-14T>A on transcript NM_006218.4 (MANE Select); 14 bases into the intron before coding-DNA position 563, T replaced by A.
Molecular consequence: intron variant.
Genome position (GRCh38, 1-based): chr3:179,201,276, T>A. VCF-style: chr3-179201276-T-A. GRCh37 (hg19) VCF-style: chr3-178919064-T-A.
Identifiers: ClinVar variation 2695705 (VCV002695705.3), dbSNP rs776828704, ClinGen allele CA2710571.
Genomic context (GRCh38, chr3:179,201,276, plus strand): 5'-GAATACTTGTTGAAATTTCTCCCTTGAAAAATGAAAGAGAGATGGTGATTGCATCTAATG[T>A]TTTCCTGTTATAGGGCAAATAATAGTGGTGATCTGGGTAATAGTTTCTCCAAATAATGAC-3'